The following is an entry in ClinVar:

ClinVar aggregate classification (germline): Uncertain significance (1 of 4 stars; one submission).

Conditions:
Early Myoclonic Encephalopathy. Identifiers: MedGen C0270855.

Submission:

Labcorp Genetics (formerly Invitae), Labcorp
Classification: Uncertain significance for Early Myoclonic Encephalopathy. Last evaluated: 2025-01-12. Review status: criteria provided, single submitter. Criteria: Invitae Variant Classification Sherloc (09022015). Collection method: clinical testing. Allele origin: germline.
Comment: This sequence change replaces methionine, which is neutral and non-polar, with isoleucine, which is neutral and non-polar, at codon 1568 of the JMJD1C protein (p.Met1568Ile). This variant is not present in population databases (gnomAD no frequency). This variant has not been reported in the literature in individuals affected with JMJD1C-related conditions. Invitae Evidence Modeling of protein sequence and biophysical properties (such as structural, functional, and spatial information, amino acid conservation, physicochemical variation, residue mobility, and thermodynamic stability) indicates that this missense variant is not expected to disrupt JMJD1C protein function with a negative predictive value of 80%. In summary, the available evidence is currently insufficient to determine the role of this variant in disease. Therefore, it has been classified as a Variant of Uncertain Significance.

NM_032776.3(JMJD1C):c.4704G>T (p.Met1568Ile)

Gene: JMJD1C (jumonji domain containing 1C; minus strand). Cytogenetic location: 10q21.3.
Variant type: single nucleotide variant.
Coding change: c.4704G>T on transcript NM_032776.3 (MANE Select); coding-DNA position 4704, G replaced by T.
Protein change: p.Met1568Ile; replaces methionine 1568 with isoleucine.
Molecular consequence: missense variant. On other transcripts: non-coding transcript variant (1).
Genome position (GRCh38, 1-based): chr10:63,206,965, C>A on the plus strand (G>T on the coding strand, the complement: JMJD1C is on the minus strand). VCF-style: chr10-63206965-C-A. GRCh37 (hg19) VCF-style: chr10-64966725-C-A.
Other names: c.4158G>T, p.Met1386Ile (NM_001282948.2, NM_001318154.2); c.3840G>T, p.Met1280Ile (NM_001318153.2); c.4590G>T, p.Met1530Ile (NM_001322252.2); c.4047G>T, p.Met1349Ile (NM_001322254.2, NM_001322258.2); short protein forms M1568I, M1280I, M1349I, M1386I, M1530I.
Identifiers: ClinVar variation 3702630 (VCV003702630.2).